The following is an entry in ClinVar:

ClinVar aggregate classification (germline): Likely benign. Review status: criteria provided, multiple submitters, no conflicts (2 of 4 stars). 2 submissions from 2 submitters: Likely benign (2). Last evaluated 2024-04-01.

Allele frequency attached by ClinVar (database versions not stated): gnomAD 0.00001; TOPMed 0.00002; gnomAD exomes 0.00003; ExAC 0.00004.
gnomAD v4.1: 44 of 1,613,582 alleles (0.0027%); highest among the groups gnomAD compares: South Asian, 0.013%; no homozygotes.

Submissions (2):

CeGaT Center for Human Genetics Tuebingen
Classification: Likely benign. Last evaluated: 2024-04-01. Review status: criteria provided, single submitter. Criteria: CeGaT Center For Human Genetics Tuebingen Variant Classification Criteria Version 2. Collection method: clinical testing. Allele origin: germline. Affected: yes. Observed: 1 variant allele.
Comment: CTDP1: BP4, BP7

Labcorp Genetics (formerly Invitae), Labcorp
Classification: Likely benign. Last evaluated: 2023-12-31. Review status: criteria provided, single submitter. Criteria: Invitae Variant Classification Sherloc (09022015). Collection method: clinical testing. Allele origin: germline.

NM_004715.5(CTDP1):c.2226G>A (p.Ala742=)

Gene: CTDP1 (CTD phosphatase 1; plus strand). Cytogenetic location: 18q23.
Variant type: single nucleotide variant.
Coding change: c.2226G>A on transcript NM_004715.5 (MANE Select); coding-DNA position 2226, G replaced by A.
Protein change: p.Ala742=; no amino-acid change (alanine 742 retained).
Molecular consequence: synonymous variant.
Genome position (GRCh38, 1-based): chr18:79,717,825, G>A. VCF-style: chr18-79717825-G-A. GRCh37 (hg19) VCF-style: chr18-77477825-G-A.
Other names: c.1869G>A, p.Ala623= (NM_001202504.1); c.2226G>A, p.Ala742= (NM_001318511.2, NM_048368.4).
Identifiers: ClinVar variation 2900772 (VCV002900772.23), dbSNP rs780699468, ClinGen allele CA9010526.